The following is an entry in ClinVar:

ClinVar aggregate classification (germline): Uncertain significance. Review status: criteria provided, multiple submitters, no conflicts (2 of 4 stars). 2 submissions from 2 submitters: Uncertain significance (2). Last evaluated 2026-04-29.

Conditions:
Atrioventricular septal defect 4 (AVSD4). Identifiers: MedGen C3280781, MONDO:0013747, OMIM 614430.

Allele frequency attached by ClinVar (database versions not stated): gnomAD 0.00001; gnomAD exomes below 0.00001; TOPMed below 0.00001.
gnomAD v4.1: 5 of 1,613,984 alleles (0.00031%); highest among the groups gnomAD compares: Non-Finnish European, 0.00042%; no homozygotes.

Submissions (2):

GeneDx
Classification: Uncertain significance. Last evaluated: 2026-04-29. Review status: criteria provided, single submitter. Criteria: GeneDx Variant Classification Process June 2021. Collection method: clinical testing. Allele origin: germline.
Comment: Not observed at significant frequency in large population cohorts (gnomAD); In silico analysis supports that this missense variant has a deleterious effect on protein structure/function; Has not been previously published as pathogenic or benign to our knowledge

Labcorp Genetics (formerly Invitae), Labcorp
Classification: Uncertain significance for Atrioventricular septal defect 4. Last evaluated: 2024-05-20. Review status: criteria provided, single submitter. Criteria: Invitae Variant Classification Sherloc (09022015). Collection method: clinical testing. Allele origin: germline.
Comment: This sequence change replaces arginine, which is basic and polar, with glutamine, which is neutral and polar, at codon 266 of the GATA4 protein (p.Arg266Gln). This variant is not present in population databases (gnomAD no frequency). This variant has not been reported in the literature in individuals affected with GATA4-related conditions. ClinVar contains an entry for this variant (Variation ID: 1059788). Advanced modeling of protein sequence and biophysical properties (such as structural, functional, and spatial information, amino acid conservation, physicochemical variation, residue mobility, and thermodynamic stability) performed at Invitae indicates that this missense variant is expected to disrupt GATA4 protein function with a positive predictive value of 80%. In summary, the available evidence is currently insufficient to determine the role of this variant in disease. Therefore, it has been classified as a Variant of Uncertain Significance.

NM_001308093.3(GATA4):c.800G>A (p.Arg267Gln)

Gene: GATA4 (GATA binding protein 4). Cytogenetic location: 8p23.1.
Variant type: single nucleotide variant.
Coding change: c.800G>A on transcript NM_001308093.3 (MANE Select); coding-DNA position 800, G replaced by A.
Protein change: p.Arg267Gln; replaces arginine 267 with glutamine.
Molecular consequence: missense variant. On other transcripts: intron variant (1).
Genome position (GRCh38, 1-based): chr8:11,750,124, G>A. VCF-style: chr8-11750124-G-A. GRCh37 (hg19) VCF-style: chr8-11607633-G-A.
Other names: c.179G>A, p.Arg60Gln (NM_001308094.2, NM_001374273.1); c.797G>A, p.Arg266Gln (NM_002052.5); c.165+1039G>A (NM_001374274.1); c.797G>A (NM_002052.3); short protein forms R266Q, R267Q, R60Q.
Identifiers: ClinVar variation 1059788 (VCV001059788.11), dbSNP rs1305097777, ClinGen allele CA370312923.